The following is an entry in ClinVar:

ClinVar aggregate classification (germline): Uncertain significance (1 of 4 stars; one submission).

Conditions:
Ataxia-telangiectasia syndrome (AT). Also called: Cerebello-oculocutaneous telangiectasia; Immunodeficiency with ataxia telangiectasia; Ataxia-telangiectasia, complementation group E; Ataxia-telangiectasia, complementation group D; LOUIS-BAR SYNDROME; AT, COMPLEMENTATION GROUP C. Identifiers: Orphanet 100, MedGen C0004135, MONDO:0008840, OMIM 208900.

Allele frequency attached by ClinVar (database versions not stated): gnomAD exomes below 0.00001.
gnomAD v4.1: 2 of 1,613,762 alleles (0.00012%); highest among the groups gnomAD compares: Non-Finnish European, 0.00017%; no homozygotes.

Submission:

Labcorp Genetics (formerly Invitae), Labcorp
Classification: Uncertain significance for Ataxia-telangiectasia syndrome. Last evaluated: 2023-02-27. Review status: criteria provided, single submitter. Criteria: Invitae Variant Classification Sherloc (09022015). Collection method: clinical testing. Allele origin: germline.
Comment: In summary, the available evidence is currently insufficient to determine the role of this variant in disease. Therefore, it has been classified as a Variant of Uncertain Significance. An algorithm developed to predict the effect of missense changes on protein structure and function (PolyPhen-2) suggests that this variant is likely to be tolerated. This variant has not been reported in the literature in individuals affected with ATM-related conditions. This variant is not present in population databases (gnomAD no frequency). This sequence change replaces serine, which is neutral and polar, with glycine, which is neutral and non-polar, at codon 1748 of the ATM protein (p.Ser1748Gly).

NM_000051.4(ATM):c.5242A>G (p.Ser1748Gly)

Gene: ATM (ATM serine/threonine kinase; plus strand). Cytogenetic location: 11q22.3.
Variant type: single nucleotide variant.
Coding change: c.5242A>G on transcript NM_000051.4 (MANE Select); coding-DNA position 5242, A replaced by G.
Protein change: p.Ser1748Gly; replaces serine 1748 with glycine.
Molecular consequence: missense variant.
Genome position (GRCh38, 1-based): chr11:108,301,712, A>G. VCF-style: chr11-108301712-A-G. GRCh37 (hg19) VCF-style: chr11-108172439-A-G.
Other names: c.5242A>G, p.Ser1748Gly (NM_001351834.2); short protein forms S1748G.
Identifiers: ClinVar variation 2841208 (VCV002841208.3), dbSNP rs876658175, ClinGen allele CA382542414.